The following is an entry in ClinVar:

NM_003072.5(SMARCA4):c.914C>G (p.Pro305Arg)

Gene: SMARCA4 (SWI/SNF related BAF chromatin remodeling complex subunit ATPase 4; plus strand). Cytogenetic location: 19p13.2.
Variant type: single nucleotide variant.
Coding change: c.914C>G on transcript NM_003072.5 (MANE Select); coding-DNA position 914, C replaced by G.
Protein change: p.Pro305Arg; replaces proline 305 with arginine.
Molecular consequence: missense variant. On other transcripts: non-coding transcript variant (1).
Genome position (GRCh38, 1-based): chr19:10,987,720, C>G. VCF-style: chr19-10987720-C-G. GRCh37 (hg19) VCF-style: chr19-11098396-C-G.
Other names: c.914C>G, p.Pro305Arg (NM_001128844.3, NM_001128845.2, NM_001128846.2 and 5 more transcripts); short protein forms P305R.
Identifiers: ClinVar variation 238529 (VCV000238529.8), dbSNP rs138097741, ClinGen allele CA10583724.

ClinVar aggregate classification (germline): Uncertain significance (1 of 4 stars; one submission).

Conditions:
Rhabdoid tumor predisposition syndrome 2 (RTPS2). Identifiers: Orphanet 231108, Orphanet 69077, MedGen C2750074, MONDO:0013224, OMIM 613325.

gnomAD v4.1: 3 of 1,610,316 alleles (0.00019%); highest among the groups gnomAD compares: South Asian, 0.0011%; no homozygotes.

Submission:

Labcorp Genetics (formerly Invitae), Labcorp
Classification: Uncertain significance for Rhabdoid tumor predisposition syndrome 2. Last evaluated: 2015-12-28. Review status: criteria provided, single submitter. Criteria: Invitae Variant Classification Sherloc (09022015). Collection method: clinical testing. Allele origin: germline.
Comment: This sequence change replaces proline with arginine at codon 305 of the SMARCA4 protein (p.Pro305Arg). The proline residue is highly conserved and there is a moderate physicochemical difference between proline and arginine. This variant is not present in population databases (ExAC no frequency) and has not been reported in the literature in individuals with a SMARCA4-related disease. Algorithms developed to predict the effect of missense changes on protein structure and function do not agree on the potential impact of this missense change (SIFT: "Deleterious"; PolyPhen-2: "Benign"; Align-GVGD: "Class C65"). In summary, this is a novel missense change with uncertain impact on protein function. It has been classified as a Variant of Uncertain Significance.